The following is an entry in ClinVar:

ClinVar aggregate classification (germline): Uncertain significance (1 of 4 stars; one submission).

Conditions:
X-linked agammaglobulinemia with growth hormone deficiency (IGHD3). Also called: AGAMMAGLOBULINEMIA AND ISOLATED GROWTH HORMONE DEFICIENCY, X-LINKED; FLEISHER SYNDROME; Isolated growth hormone deficiency type 3; Growth hormone deficiency with hypogammaglobulinemia; HYPOGAMMAGLOBULINEMIA AND ISOLATED GROWTH HORMONE DEFICIENCY, X-LINKED; IGHD III. Identifiers: Orphanet 231692, Orphanet 631, MedGen C0472813, MONDO:0010615, OMIM 307200.

Submissions (2):

Labcorp Genetics (formerly Invitae), Labcorp
Classification: Uncertain significance for X-linked agammaglobulinemia with growth hormone deficiency. Last evaluated: 2024-10-25. Review status: criteria provided, single submitter. Criteria: Invitae Variant Classification Sherloc (09022015). Collection method: clinical testing. Allele origin: germline.
Comment: This sequence change falls in intron 14 of the BTK gene. It does not directly change the encoded amino acid sequence of the BTK protein. It affects a nucleotide within the consensus splice site. This variant is not present in population databases (gnomAD no frequency). This variant has been observed in individual(s) with agammaglobulinemia (PMID: 19904586). Variants that disrupt the consensus splice site are a relatively common cause of aberrant splicing (PMID: 17576681, 9536098). Algorithms developed to predict the effect of sequence changes on RNA splicing suggest that this variant may disrupt the consensus splice site. In summary, the available evidence is currently insufficient to determine the role of this variant in disease. Therefore, it has been classified as a Variant of Uncertain Significance.

Dr. Peter K. Rogan Lab, Western University
No classification provided (evidence only). Condition: Lymphoma. Review status: no classification provided. Collection method: in vitro. Allele origin: not applicable. Functional consequence: retained intron. Not counted in ClinVar's aggregate classification.

Literature cited by the submitters: PubMed 19904586 (cited by Labcorp Genetics (formerly Invitae), Labcorp); PubMed 17576681 (cited by Labcorp Genetics (formerly Invitae), Labcorp); PubMed 9536098 (cited by Labcorp Genetics (formerly Invitae), Labcorp).

NM_000061.3(BTK):c.1349+6T>G

Gene: BTK (Bruton tyrosine kinase; minus strand). Cytogenetic location: Xq22.1.
Variant type: single nucleotide variant.
Coding change: c.1349+6T>G on transcript NM_000061.3 (MANE Select); 6 bases into the intron after coding-DNA position 1349, T replaced by G.
Molecular consequence: intron variant.
Genome position (GRCh38, 1-based): chrX:101,356,778, A>C on the plus strand (T>G on the coding strand, the complement: BTK is on the minus strand). VCF-style: chrX-101356778-A-C. GRCh37 (hg19) VCF-style: chrX-100611766-A-C.
Other names: c.1451+6T>G (NM_001287344.2); c.1038+1596T>G (NM_001287345.2).
Identifiers: ClinVar variation 2737295 (VCV002737295.4), dbSNP rs2520557960, ClinGen allele CA645605197.